The following is an entry in ClinVar:

ClinVar aggregate classification (germline): Pathogenic (1 of 4 stars; one submission).

Conditions:
Duchenne muscular dystrophy (DMD). Also called: MUSCULAR DYSTROPHY, PSEUDOHYPERTROPHIC PROGRESSIVE, DUCHENNE TYPE; Duchenne Muscular Dystrophy (DMD). Identifiers: Orphanet 98896, MedGen C0013264, MONDO:0010679, OMIM 310200.

Submission:

Labcorp Genetics (formerly Invitae), Labcorp
Classification: Pathogenic for Duchenne muscular dystrophy. Last evaluated: 2018-06-25. Review status: criteria provided, single submitter. Criteria: Invitae Variant Classification Sherloc (09022015). Collection method: clinical testing. Allele origin: germline.
Comment: For these reasons, this variant has been classified as Pathogenic. Loss-of-function variants in DMD are known to be pathogenic (PMID: 16770791, 25007885). This variant has been reported in individuals affected with Duchenne muscular dystrophy (PMID:15643612, 19937601). This variant is not present in population databases (ExAC no frequency). This sequence change creates a premature translational stop signal (p.Trp540*) in the DMD gene. It is expected to result in an absent or disrupted protein product.

Literature cited by the submitters: PubMed 16770791; PubMed 25007885; PubMed 15643612; PubMed 19937601.

NM_004006.3(DMD):c.1619G>A (p.Trp540Ter)

Gene: DMD (dystrophin; minus strand). Cytogenetic location: Xp21.1.
Variant type: single nucleotide variant.
Coding change: c.1619G>A on transcript NM_004006.3 (MANE Select); coding-DNA position 1619, G replaced by A.
Protein change: p.Trp540Ter; replaces tryptophan 540 with a stop codon.
Molecular consequence: nonsense.
Genome position (GRCh38, 1-based): chrX:32,573,830, C>T on the plus strand (G>A on the coding strand, the complement: DMD is on the minus strand). VCF-style: chrX-32573830-C-T. GRCh37 (hg19) VCF-style: chrX-32591947-C-T.
Other names: c.1595G>A, p.Trp532Ter (NM_000109.4); c.1607G>A, p.Trp536Ter (NM_004009.3); c.1250G>A, p.Trp417Ter (NM_004010.3); short protein forms W540*, W536*, W417*, W532*.
Identifiers: ClinVar variation 580058 (VCV000580058.10), dbSNP rs1569230406, ClinGen allele CA412673506.